The following is an entry in ClinVar:

ClinVar aggregate classification (germline): Uncertain significance (1 of 4 stars; one submission).

Conditions:
Familial intrahepatic cholestasis. Identifiers: Orphanet 284385, MedGen CN296401, MONDO:0017290.

Submission:

Genomenon, Inc
Classification: Uncertain significance for Familial intrahepatic cholestasis. Last evaluated: 2026-04-14. Review status: criteria provided, single submitter. Criteria: Genomenon Sequence Variant Interpretation Standards - Updated. Collection method: curation. Allele origin: germline. Affected: no.
Comment: ABCB11 p.Ala1287Val (c.3860C>T) is a missense variant that changes the amino acid at residue 1287 from Alanine to Valine. This variant has been reported in the published literature (PMID:37208429). It is absent or not present at a significant frequency in gnomAD. In silico models predict that this variant is not damaging. In conclusion, we classify ABCB11 p.Ala1287Val (c.3860C>T) as a variant of uncertain significance.

Literature cited by the submitters: PubMed 37208429.

NM_003742.4(ABCB11):c.3860C>T (p.Ala1287Val)

Gene: ABCB11 (ATP binding cassette subfamily B member 11; minus strand). Cytogenetic location: 2q31.1.
Variant type: single nucleotide variant.
Coding change: c.3860C>T on transcript NM_003742.4 (MANE Select); coding-DNA position 3860, C replaced by T.
Protein change: p.Ala1287Val; replaces alanine 1287 with valine.
Molecular consequence: missense variant.
Genome position (GRCh38, 1-based): chr2:168,923,728, G>A on the plus strand (C>T on the coding strand, the complement: ABCB11 is on the minus strand). VCF-style: chr2-168923728-G-A. GRCh37 (hg19) VCF-style: chr2-169780238-G-A.
Other names: short protein forms A1287V.
Identifiers: ClinVar variation 4845937 (VCV004845937.1).